The following is an entry in ClinVar:

NM_004655.4(AXIN2):c.2405+5_2405+7delinsAAA

Gene: AXIN2 (axin 2; minus strand). Cytogenetic location: 17q24.1.
Variant type: Indel.
Coding change: c.2405+5_2405+7delinsAAA on transcript NM_004655.4 (MANE Select); bases 5 to 7 of the intron after coding-DNA position 2405, GAG replaced by AAA.
Molecular consequence: intron variant.
Genome position (GRCh38, 1-based): chr17:65,533,905-65,533,907, CTC replaced by TTT on the plus strand (GAG replaced by AAA on the coding strand, the reverse complement: AXIN2 is on the minus strand). VCF-style: chr17-65533905-CTC-TTT. GRCh37 (hg19) VCF-style: chr17-63530023-CTC-TTT.
Other names: c.2210+5_2210+7delinsAAA (NM_001363813.1).
Identifiers: ClinVar variation 2451641 (VCV002451641.4), dbSNP rs2509388235, ClinGen allele CA2580094672.
Genomic context (GRCh38, chr17:65,533,905, plus strand): 5'-CTCCAGGCTCTGGCTCTTGGTTCTGAGCAAACAAACTGAGAGCAGAAAAAAGCCACAGGA[CTC>TTT]TTACCTATAATTTCCCTTTTTGCTGAGCTGCTCTTTAAAGTGGCCCAGGGTCAAGCTCTG-3'

ClinVar aggregate classification (germline): Uncertain significance (1 of 4 stars; one submission).

Conditions:
Hereditary cancer-predisposing syndrome. Also called: Neoplastic Syndromes, Hereditary; Tumor predisposition; Hereditary neoplastic syndrome; Hereditary Cancer Syndrome. Identifiers: Orphanet 140162, MedGen C0027672, MeSH D009386, MONDO:0015356.

Submission:

Ambry Genetics
Classification: Uncertain significance for Hereditary cancer-predisposing syndrome. Last evaluated: 2025-06-25. Review status: criteria provided, single submitter. Criteria: Ambry Variant Classification Scheme 2023. Collection method: clinical testing. Allele origin: germline.
Comment: The c.2405+5_2405+7delGAGinsAAA intronic variant, located in intron 9 of the AXIN2 gene, results from an in-frame deletion of GAG and insertion of AAA at nucleotide positions c.2405+5 to c.2405+7. This nucleotide region is well conserved in available vertebrate species. In silico splice site analysis predicts that this alteration may weaken the native splice donor site; however, direct evidence is insufficient at this time (Ambry internal data). Based on the available evidence, the clinical significance of this variant remains unclear.